The following is an entry in ClinVar:

NM_015346.4(ZFYVE26):c.2068_2071del (p.Arg690fs)

Gene: ZFYVE26 (zinc finger FYVE-type containing 26; minus strand). Cytogenetic location: 14q24.1.
Variant type: Deletion.
Coding change: c.2068_2071del on transcript NM_015346.4 (MANE Select); coding-DNA positions 2068 to 2071, 4 bases deleted (AGGC; older notation c.2068_2071delAGGC).
Protein change: p.Arg690fs; shifts the reading frame from arginine 690.
Molecular consequence: frameshift variant.
Genome position (GRCh38, 1-based): chr14:67,798,191-67,798,194, GCCT deleted on the plus strand (AGGC on the coding strand, the reverse complement: ZFYVE26 is on the minus strand); deleting any 4 consecutive bases within chr14:67,798,191-67,798,195 gives the same sequence; the c. name uses the placement nearest the transcript's 3' end. VCF-style (leftmost placement, unchanged base first): chr14-67798190-AGCCT-A. GRCh37 (hg19) VCF-style: chr14-68264907-AGCCT-A.
Other names: short protein forms R690fs.
Identifiers: ClinVar variation 5014340 (VCV005014340.1).
Genomic context (GRCh38, chr14:67,798,190, plus strand): 5'-TCTTGCTTTGGCTTCTCAGGAGGGCTGCGGCTACTGATCTCATCCAGTTGCTCTTGGAGA[AGCCT>A]GAGGAAGGCCCCTATTGCAAATTCATCAGCCAGAAATCCACTGATACCACTAGTAAAGTG-3'

ClinVar aggregate classification (germline): Pathogenic (1 of 4 stars; one submission).

Conditions:
Hereditary spastic paraplegia 15 (SPG15). Also called: SPASTIC PARAPLEGIA 15, AUTOSOMAL RECESSIVE; KJELLIN SYNDROME; SPASTIC PARAPLEGIA AND RETINAL DEGENERATION. Identifiers: Orphanet 100996, MedGen C1849128, MONDO:0010044, OMIM 270700.

Submission:

Myriad Genetics, Inc.
Classification: Pathogenic for Hereditary spastic paraplegia 15. Last evaluated: 2025-04-19. Review status: criteria provided, single submitter. Criteria: Myriad Autosomal Dominant, Autosomal Recessive and X-Linked Classification Criteria (2023). Collection method: clinical testing. Allele origin: unknown.
Comment: NM_015346.3(ZFYVE26):c.2068_2071delAGGC(R690Ffs*53) is expected to be pathogenic in the context of spastic paraplegia type 15. This variant is predicted to lead to an abnormal or absent protein product due to the creation of a premature termination codon in ZFYVE26, a gene where loss-of-function variants are known to be pathogenic. Please note: this variant was assessed in the context of healthy population screening.